The following is an entry in ClinVar:

NM_018344.6(SLC29A3):c.128T>G (p.Leu43Arg)

Gene: SLC29A3 (solute carrier family 29 member 3; plus strand). Cytogenetic location: 10q22.1.
Variant type: single nucleotide variant.
Coding change: c.128T>G on transcript NM_018344.6 (MANE Select); coding-DNA position 128, T replaced by G.
Protein change: p.Leu43Arg; replaces leucine 43 with arginine.
Molecular consequence: missense variant. On other transcripts: 5 prime UTR variant (1), non-coding transcript variant (2).
Genome position (GRCh38, 1-based): chr10:71,322,882, T>G. VCF-style: chr10-71322882-T-G. GRCh37 (hg19) VCF-style: chr10-73082639-T-G.
Other names: p.Leu43Arg; c.128T>G, p.Leu43Arg (NM_001174098.2); c.-107T>G (NM_001363518.2); short protein forms L43R.
Identifiers: ClinVar variation 287285 (VCV000287285.48), dbSNP rs146764905, ClinGen allele CA5542824.

ClinVar aggregate classification (germline): Conflicting classifications of pathogenicity. Review status: criteria provided, conflicting classifications (1 of 4 stars). 10 submissions from 10 submitters: Uncertain significance (1); Likely benign (6). 3 of the submissions do not count toward it. Last evaluated 2026-02-01.

Conditions:
Inborn genetic diseases. Identifiers: MedGen C0950123, MeSH D030342.
SLC29A3-related disorder. Also called: SLC29A3-related condition.
H syndrome. Also called: Histiocytosis with joint contractures and sensorineural deafness; HISTIOCYTOSIS AND LYMPHADENOPATHY WITH OR WITHOUT CUTANEOUS, CARDIAC, AND/OR ENDOCRINE FEATURES, JOINT CONTRACTURES, AND/OR DEAFNESS; HYPERPIGMENTATION, CUTANEOUS, WITH HYPERTRICHOSIS, HEPATOSPLENOMEGALY, HEART ANOMALIES, AND HYPOGONADISM WITH OR WITHOUT HEARING LOSS; PIGMENTED HYPERTRICHOSIS WITH INSULIN-DEPENDENT DIABETES MELLITUS; ROSAI-DORFMAN DISEASE, FAMILIAL; SINUS HISTIOCYTOSIS AND MASSIVE LYMPHADENOPATHY. Identifiers: Orphanet 168569, MedGen C1864445, MONDO:0011273, OMIM 602782.

Allele frequency attached by ClinVar (database versions not stated): 1000 Genomes Project 0.00120; 1000 Genomes Project 30x 0.00172; ESP Exome Variant Server 0.00223; gnomAD 0.00229; TOPMed 0.00253.
gnomAD v4.1: 651 of 1,614,232 alleles (0.04%); highest among the groups gnomAD compares: African/African-American, 0.79%; 2 homozygotes.

Submissions (10):

Labcorp Genetics (formerly Invitae), Labcorp
Classification: Likely benign for H syndrome. Last evaluated: 2026-02-01. Review status: criteria provided, single submitter. Criteria: Invitae Variant Classification Sherloc (09022015). Collection method: clinical testing. Allele origin: germline.

Mayo Clinic Laboratories, Mayo Clinic
Classification: Likely benign. Last evaluated: 2025-05-29. Review status: criteria provided, single submitter. Criteria: ACMG Guidelines, 2015. Collection method: clinical testing. Allele origin: germline. Observed: 2 variant alleles.
Comment: BS1, BP4_moderate

Blueprint Genetics
Classification: Likely benign. Last evaluated: 2023-09-28. Review status: criteria provided, single submitter. Criteria: ACMG Guidelines, 2015. Collection method: clinical testing. Allele origin: germline.

CeGaT Center for Human Genetics Tuebingen
Classification: Likely benign. Last evaluated: 2022-09-01. Review status: criteria provided, single submitter. Criteria: CeGaT Center For Human Genetics Tuebingen Variant Classification Criteria Version 2. Collection method: clinical testing. Allele origin: germline. Affected: yes. Observed: 2 variant alleles.
Comment: SLC29A3: BP4, BS1

Ambry Genetics
Classification: Uncertain significance for Inborn genetic diseases. Last evaluated: 2022-05-27. Review status: criteria provided, single submitter. Criteria: Ambry Variant Classification Scheme 2023. Collection method: clinical testing. Allele origin: germline.

Illumina Laboratory Services, Illumina
Classification: Likely benign for H syndrome. Last evaluated: 2018-01-12. Review status: criteria provided, single submitter. Criteria: ICSL Variant Classification Criteria 13 December 2019. Collection method: clinical testing. Allele origin: germline.
Comment: This variant was observed in the ICSL laboratory as part of a predisposition screen in an ostensibly healthy population. It had not been previously curated by ICSL or reported in the Human Gene Mutation Database (HGMD: prior to June 1st, 2018), and was therefore a candidate for classification through an automated scoring system. Utilizing variant allele frequency, disease prevalence and penetrance estimates, and inheritance mode, an automated score was calculated to assess if this variant is too frequent to cause the disease. Based on the score and internal cut-off values, a variant classified as likely benign is not then subjected to further curation. The score for this variant resulted in a classification of likely benign for this disease.

Eurofins Ntd Llc (ga)
Classification: Likely benign. Last evaluated: 2016-06-06. Review status: criteria provided, single submitter. Criteria: EGL Classification Definitions 2015. Collection method: clinical testing. Allele origin: germline. Observed: 1 variant allele, 1 heterozygote.

PreventionGenetics, part of Exact Sciences
Classification: Benign for SLC29A3-related condition. Last evaluated: 2024-03-14. Review status: no assertion criteria provided. Collection method: clinical testing. Allele origin: germline. Not counted in ClinVar's aggregate classification.
Comment: This variant is classified as benign based on ACMG/AMP sequence variant interpretation guidelines (Richards et al. 2015 PMID: 25741868, with internal and published modifications).

Clinical Genetics DNA and cytogenetics Diagnostics Lab, Erasmus MC, Erasmus Medical Center
Classification: Likely benign. Review status: no assertion criteria provided. Collection method: clinical testing. Allele origin: germline. Affected: yes. Study: VKGL Data-share Consensus. Not counted in ClinVar's aggregate classification.

Genome Diagnostics Laboratory, University Medical Center Utrecht
Classification: Likely benign. Review status: no assertion criteria provided. Collection method: clinical testing. Allele origin: germline. Affected: yes. Study: VKGL Data-share Consensus. Not counted in ClinVar's aggregate classification.